The following is an entry in ClinVar:

ClinVar aggregate classification (germline): Uncertain significance. Review status: criteria provided, multiple submitters, no conflicts (2 of 4 stars). 2 submissions from 2 submitters: Uncertain significance (2). Last evaluated 2020-12-28.

Allele frequency attached by ClinVar (database versions not stated): gnomAD exomes below 0.00001; gnomAD 0.00001.

Submissions (2):

Labcorp Genetics (formerly Invitae), Labcorp
Classification: Uncertain significance. Last evaluated: 2020-12-28. Review status: criteria provided, single submitter. Criteria: Invitae Variant Classification Sherloc (09022015). Collection method: clinical testing. Allele origin: germline.
Comment: In summary, the available evidence is currently insufficient to determine the role of this variant in disease. Therefore, it has been classified as a Variant of Uncertain Significance. Algorithms developed to predict the effect of missense changes on protein structure and function are either unavailable or do not agree on the potential impact of this missense change (SIFT: "Tolerated"; PolyPhen-2: "Probably Damaging"; Align-GVGD: "Class C0"). This variant has been observed in individual(s) with clinical features of cone-rod dystrophy (Invitae). This variant is not present in population databases (ExAC no frequency). This sequence change replaces aspartic acid with asparagine at codon 45 of the DRAM2 protein (p.Asp45Asn). The aspartic acid residue is highly conserved and there is a small physicochemical difference between aspartic acid and asparagine.

Blueprint Genetics
Classification: Uncertain significance. Last evaluated: 2019-12-09. Review status: criteria provided, single submitter. Criteria: ACMG Guidelines, 2015. Collection method: clinical testing. Allele origin: germline.

NM_001349884.2(DRAM2):c.133G>A (p.Asp45Asn)

Gene: DRAM2 (DNA damage regulated autophagy modulator 2; minus strand). Cytogenetic location: 1p13.3.
Variant type: single nucleotide variant.
Coding change: c.133G>A on transcript NM_001349884.2 (MANE Select); coding-DNA position 133, G replaced by A.
Protein change: p.Asp45Asn; replaces aspartic acid 45 with asparagine.
Molecular consequence: missense variant. On other transcripts: 5 prime UTR variant (8), non-coding transcript variant (8).
Genome position (GRCh38, 1-based): chr1:111,126,293, C>T on the plus strand (G>A on the coding strand, the complement: DRAM2 is on the minus strand). VCF-style: chr1-111126293-C-T. GRCh37 (hg19) VCF-style: chr1-111668915-C-T.
Other names: c.133G>A, p.Asp45Asn (NM_001349881.2, NM_001349882.2, NM_001349885.2 and 1 more transcripts); c.-26G>A (NM_001349886.2, NM_001349887.2, NM_001349888.2); c.-118G>A (NM_001349889.2, NM_001349890.2, NM_001349892.2 and 1 more transcripts); c.-286G>A (NM_001349891.2); short protein forms D45N.
Identifiers: ClinVar variation 1497435 (VCV001497435.9), dbSNP rs1474980716, ClinGen allele CA341819586.
Genomic context (GRCh38, chr1:111,126,293, plus strand): 5'-CTGCCGCAATATTTAGCATTGCCCCAAATAAGCATTTTTCTGGAGCTACTGTACCAGTGT[C>T]ACTGAAAGAAAAAAAGGAAGGTATGTGGATTTCTCATACTAGATAAACACATATATTTCT-3'
Protein context (NP_001336813.1, residues 35-55): HIDPALPYIS[Asp45Asn]TGTVAPEKCL